The following is an entry in ClinVar:

ClinVar aggregate classification (germline): Pathogenic/Likely pathogenic. Review status: criteria provided, multiple submitters, no conflicts (2 of 4 stars). 3 submissions from 3 submitters: Pathogenic (1); Likely pathogenic (2). Last evaluated 2024-04-15.

Conditions:
Glycogen storage disease, type IV (GSD4). Also called: AMYLOPECTINOSIS; ANDERSEN DISEASE; BRANCHER DEFICIENCY; CIRRHOSIS, FAMILIAL, WITH DEPOSITION OF ABNORMAL GLYCOGEN; GBE1 DEFICIENCY; GLYCOGEN BRANCHING ENZYME DEFICIENCY. Identifiers: Orphanet 367, MedGen C0017923, MONDO:0009292, OMIM 232500.
Glycogen storage disease IV, classic hepatic. Also called: GSD IV, CLASSIC HEPATIC. Identifiers: MedGen C1856301.
Adult polyglucosan body disease (APBN). Also called: GBE1-Adult Polyglucosan Body Disease; POLYGLUCOSAN BODY DISEASE, ADULT FORM. Identifiers: Orphanet 206583, MedGen C1849722, MONDO:0009897, OMIM 263570.

Allele frequency attached by ClinVar (database versions not stated): gnomAD exomes below 0.00001.
gnomAD v4.1: 1 of 1,515,342 alleles (0.000066%); highest among the groups gnomAD compares: South Asian, 0.0013%; no homozygotes.

Submissions (3):

Fulgent Genetics
Classification: Likely pathogenic for Glycogen storage disease, type IV; Adult polyglucosan body disease. Last evaluated: 2024-04-15. Review status: criteria provided, single submitter. Criteria: ACMG Guidelines, 2015. Collection method: clinical testing. Allele origin: germline.

Labcorp Genetics (formerly Invitae), Labcorp
Classification: Pathogenic for Glycogen storage disease, type IV; Glycogen storage disease IV, classic hepatic. Last evaluated: 2024-01-28. Review status: criteria provided, single submitter. Criteria: Invitae Variant Classification Sherloc (09022015). Collection method: clinical testing. Allele origin: germline.
Comment: This sequence change creates a premature translational stop signal (p.Trp107*) in the GBE1 gene. It is expected to result in an absent or disrupted protein product. Loss-of-function variants in GBE1 are known to be pathogenic (PMID: 15452297, 20058079). This variant is not present in population databases (gnomAD no frequency). This variant has not been reported in the literature in individuals affected with GBE1-related conditions. ClinVar contains an entry for this variant (Variation ID: 1454134). For these reasons, this variant has been classified as Pathogenic.

Baylor Genetics
Classification: Likely pathogenic for Glycogen storage disease, type IV. Last evaluated: 2023-07-07. Review status: criteria provided, single submitter. Criteria: ACMG Guidelines, 2015. Collection method: clinical testing. Allele origin: unknown.

Literature cited by the submitters: PubMed 15452297 (cited by Labcorp Genetics (formerly Invitae), Labcorp); PubMed 20058079 (cited by Labcorp Genetics (formerly Invitae), Labcorp).

NM_000158.4(GBE1):c.321G>A (p.Trp107Ter)

Gene: GBE1 (1,4-alpha-glucan branching enzyme 1; minus strand). Cytogenetic location: 3p12.2.
Variant type: single nucleotide variant.
Coding change: c.321G>A on transcript NM_000158.4 (MANE Select); coding-DNA position 321, G replaced by A.
Protein change: p.Trp107Ter; replaces tryptophan 107 with a stop codon.
Molecular consequence: nonsense.
Genome position (GRCh38, 1-based): chr3:81,670,946, C>T on the plus strand (G>A on the coding strand, the complement: GBE1 is on the minus strand). VCF-style: chr3-81670946-C-T. GRCh37 (hg19) VCF-style: chr3-81720097-C-T.
Other names: short protein forms W107*.
Identifiers: ClinVar variation 1454134 (VCV001454134.8), dbSNP rs2107114808, ClinGen allele CA353689051.